The following is an entry in ClinVar:

NM_001031710.3(KLHL7):c.1281A>C (p.Glu427Asp)

Gene: KLHL7 (kelch like family member 7; plus strand). Cytogenetic location: 7p15.3.
Variant type: single nucleotide variant.
Coding change: c.1281A>C on transcript NM_001031710.3 (MANE Select); coding-DNA position 1281, A replaced by C.
Protein change: p.Glu427Asp; replaces glutamic acid 427 with aspartic acid.
Molecular consequence: missense variant. On other transcripts: non-coding transcript variant (1).
Genome position (GRCh38, 1-based): chr7:23,167,939, A>C. VCF-style: chr7-23167939-A-C. GRCh37 (hg19) VCF-style: chr7-23207558-A-C.
Other names: c.1137A>C, p.Glu379Asp (NM_018846.5); short protein forms E379D, E427D.
Identifiers: ClinVar variation 4807389 (VCV004807389.1).

ClinVar aggregate classification (germline): Uncertain significance (1 of 4 stars; one submission).

Submission:

Labcorp Genetics (formerly Invitae), Labcorp
Classification: Uncertain significance. Last evaluated: 2025-12-26. Review status: criteria provided, single submitter. Criteria: Invitae Variant Classification Sherloc (09022015). Collection method: clinical testing. Allele origin: germline.
Comment: This sequence change replaces glutamic acid, which is acidic and polar, with aspartic acid, which is acidic and polar, at codon 427 of the KLHL7 protein (p.Glu427Asp). This variant is not present in population databases (gnomAD no frequency). This variant has not been reported in the literature in individuals affected with KLHL7-related conditions. An algorithm developed to predict the effect of missense changes on protein structure and function (PolyPhen-2) suggests that this variant is likely to be disruptive. In summary, the available evidence is currently insufficient to determine the role of this variant in disease. Therefore, it has been classified as a Variant of Uncertain Significance.